The following is an entry in ClinVar:

NM_000146.4(FTL):c.-144A>T

Gene: FTL (ferritin light chain; plus strand). Cytogenetic location: 19q13.33.
Variant type: single nucleotide variant.
Coding change: c.-144A>T on transcript NM_000146.4 (MANE Select); 144 bases upstream of the start codon, A replaced by T.
Molecular consequence: 5 prime UTR variant.
Genome position (GRCh38, 1-based): chr19:48,965,364, A>T. VCF-style: chr19-48965364-A-T. GRCh37 (hg19) VCF-style: chr19-49468621-A-T.
Identifiers: ClinVar variation 2928097 (VCV002928097.3), dbSNP rs1180658002, ClinGen allele CA883052136.

ClinVar aggregate classification (germline): Uncertain significance (1 of 4 stars; one submission).

Conditions:
Hereditary hyperferritinemia with congenital cataracts. Also called: Hereditary hyperferritinemia cataract syndrome; Bonneau-Beaumont syndrome; HYPERFERRITINEMIA WITH OR WITHOUT CATARACT. Identifiers: Orphanet 163, MedGen C1833213, MONDO:0010952, OMIM 600886.
Neuroferritinopathy (NBIA3). Also called: NEURODEGENERATION WITH BRAIN IRON ACCUMULATION 3; BASAL GANGLIA DISEASE, ADULT-ONSET. Identifiers: Orphanet 157846, MedGen C1853578, MONDO:0011638, OMIM 606159.

Allele frequency attached by ClinVar (database versions not stated): gnomAD 0.00001; gnomAD exomes 0.00001; TOPMed 0.00001.
gnomAD v4.1: 9 of 703,518 alleles (0.0013%); highest among the groups gnomAD compares: Non-Finnish European, 0.0021%; no homozygotes.

Submission:

Labcorp Genetics (formerly Invitae), Labcorp
Classification: Uncertain significance for Neuroferritinopathy; Hereditary hyperferritinemia with congenital cataracts. Last evaluated: 2023-05-15. Review status: criteria provided, single submitter. Criteria: Invitae Variant Classification Sherloc (09022015). Collection method: clinical testing. Allele origin: germline.
Comment: In summary, the available evidence is currently insufficient to determine the role of this variant in disease. Therefore, it has been classified as a Variant of Uncertain Significance. Experimental studies and prediction algorithms are not available or were not evaluated, and the functional significance of this variant is currently unknown. This variant is also known as 56A>T. This variant has been observed in individual(s) with FTL-related conditions (PMID: 16395671). This variant is not present in population databases (gnomAD no frequency). This variant occurs in a non-coding region of the FTL gene. It does not change the encoded amino acid sequence of the FTL protein.

Literature cited by the submitters: PubMed 16395671.